The following is an entry in ClinVar:

ClinVar aggregate classification (germline): Pathogenic (1 of 4 stars; one submission).

Conditions:
Retinoblastoma (RB1). Also called: RETINOBLASTOMA, SOMATIC. Identifiers: Orphanet 790, MedGen C0035335, MeSH D012175, MONDO:0008380, OMIM 180200, HP:0009919. Disease mechanism: loss of function. Inheritance: Both sporadic and heritable forms are tested..

Submission:

Labcorp Genetics (formerly Invitae), Labcorp
Classification: Pathogenic for Retinoblastoma. Last evaluated: 2021-11-01. Review status: criteria provided, single submitter. Criteria: Invitae Variant Classification Sherloc (09022015). Collection method: clinical testing. Allele origin: germline.
Comment: For these reasons, this variant has been classified as Pathogenic. Algorithms developed to predict the effect of sequence changes on RNA splicing suggest that this variant may disrupt the consensus splice site. Disruption of this splice site has been observed in individual(s) with retinoblastoma (PMID: 30031154). This variant is not present in population databases (gnomAD no frequency). This sequence change affects a donor splice site in intron 20 of the RB1 gene. It is expected to disrupt RNA splicing. Variants that disrupt the donor or acceptor splice site typically lead to a loss of protein function (PMID: 16199547), and loss-of-function variants in RB1 are known to be pathogenic (PMID: 17096365).

Literature cited by the submitters: PubMed 30031154; PubMed 16199547; PubMed 17096365.

NM_000321.3(RB1):c.2106+1G>C

Gene: RB1 (RB transcriptional corepressor 1; plus strand). Cytogenetic location: 13q14.2.
Variant type: single nucleotide variant.
Coding change: c.2106+1G>C on transcript NM_000321.3 (MANE Select); the canonical splice donor site of the intron after coding-DNA position 2106, G replaced by C.
Molecular consequence: splice donor variant.
Genome position (GRCh38, 1-based): chr13:48,459,834, G>C. VCF-style: chr13-48459834-G-C. GRCh37 (hg19) VCF-style: chr13-49033970-G-C.
Other names: c.2106+1G>C (NM_001407165.1).
Identifiers: ClinVar variation 1447394 (VCV001447394.6), dbSNP rs1949385207, ClinGen allele CA388166984.